The following is an entry in ClinVar:

ClinVar aggregate classification (germline): Likely benign (1 of 4 stars; one submission).

gnomAD v4.1: 1 of 1,614,180 alleles (0.000062%); highest among the groups gnomAD compares: Non-Finnish European, 0.000085%; no homozygotes.

Submission:

GeneDx
Classification: Likely benign. Last evaluated: 2017-04-13. Review status: criteria provided, single submitter. Criteria: GeneDx Variant Classification (06012015). Collection method: clinical testing. Allele origin: germline. Affected: yes.
Comment: This variant is considered likely benign or benign based on one or more of the following criteria: it is a conservative change, it occurs at a poorly conserved position in the protein, it is predicted to be benign by multiple in silico algorithms, and/or has population frequency not consistent with disease.

NM_005159.5(ACTC1):c.633C>A (p.Val211=)

Genes: ACTC1 (actin alpha cardiac muscle 1; minus strand), GJD2-DT (GJD2 divergent transcript; plus strand). Cytogenetic location: 15q14.
Variant type: single nucleotide variant.
Coding change: c.633C>A on transcript NM_005159.5 (MANE Select); coding-DNA position 633, C replaced by A.
Protein change: p.Val211=; no amino-acid change (valine 211 retained).
Molecular consequence: synonymous variant.
Genome position (GRCh38, 1-based): chr15:34,792,265, G>T on the plus strand (C>A on the coding strand, the complement: ACTC1 is on the minus strand). VCF-style: chr15-34792265-G-T. GRCh37 (hg19) VCF-style: chr15-35084466-G-T.
Other names: c.633C>A (LRG_388t1).
Identifiers: ClinVar variation 509022 (VCV000509022.1), dbSNP rs199947846, ClinGen allele CA489655392.
Genomic context (GRCh38, chr15:34,792,265, plus strand): 5'-TGTGGCCATCTCATTCTCAAAATCCAGGGCGACATAGCACAGCTTCTCTTTAATGTCACG[G>T]ACAATTTCACGTTCAGCTACAGAAATAAAGAGTATCACAGTCATGCTCTGAAGCAAGAAG-3'
Protein context (NP_005150.1, residues 201-221): SFVTTAEREI[Val211=]RDIKEKLCYV